The following is an entry in ClinVar:

NM_001382567.1(STIM1):c.1612C>G (p.Gln538Glu)

Gene: STIM1 (stromal interaction molecule 1; plus strand). Cytogenetic location: 11p15.4.
Variant type: single nucleotide variant.
Coding change: c.1612C>G on transcript NM_001382567.1 (MANE Select); coding-DNA position 1612, C replaced by G.
Protein change: p.Gln538Glu; replaces glutamine 538 with glutamic acid.
Molecular consequence: missense variant. On other transcripts: non-coding transcript variant (3).
Genome position (GRCh38, 1-based): chr11:4,086,521, C>G. VCF-style: chr11-4086521-C-G. GRCh37 (hg19) VCF-style: chr11-4107751-C-G.
Other names: c.1519C>G, p.Gln507Glu (NM_001277961.3, NM_001277962.2, NM_003156.4); c.1297C>G, p.Gln433Glu (NM_001382566.1, NM_001382575.1, NM_001382576.1 and 3 more transcripts); c.1540C>G, p.Gln514Glu (NM_001382568.1); c.1384C>G, p.Gln462Glu (NM_001382569.1); c.1291C>G, p.Gln431Glu (NM_001382570.1); c.1039C>G, p.Gln347Glu (NM_001382571.1); c.1030C>G, p.Gln344Glu (NM_001382580.1, NM_001382581.1); short protein forms Q344E, Q347E, Q507E, Q538E, Q431E, Q433E, Q462E, Q514E.
Identifiers: ClinVar variation 1496383 (VCV001496383.8), dbSNP rs2133240605, ClinGen allele CA379195270.

ClinVar aggregate classification (germline): Uncertain significance (1 of 4 stars; one submission).

Conditions:
Stormorken syndrome (STRMK). Also called: THROMBOCYTOPATHY, ASPLENIA, AND MIOSIS. Identifiers: Orphanet 3204, MedGen C1861451, MONDO:0008497, OMIM 185070.
Myopathy with tubular aggregates (TAM). Also called: Tubular Aggregate Myopathy. Identifiers: Orphanet 2593, MedGen C0410207, MONDO:0008051.
Combined immunodeficiency due to STIM1 deficiency. Also called: STIM1 DEFICIENCY; IMMUNODEFICIENCY 10. Identifiers: Orphanet 169090, Orphanet 317430, MedGen C2748557, MONDO:0013008, OMIM 612783.

Submission:

Labcorp Genetics (formerly Invitae), Labcorp
Classification: Uncertain significance for Myopathy with tubular aggregates; Combined immunodeficiency due to STIM1 deficiency; Stormorken syndrome. Last evaluated: 2021-08-05. Review status: criteria provided, single submitter. Criteria: Invitae Variant Classification Sherloc (09022015). Collection method: clinical testing. Allele origin: germline.
Comment: This variant is not present in population databases (ExAC no frequency). This variant has not been reported in the literature in individuals with STIM1-related conditions. Algorithms developed to predict the effect of missense changes on protein structure and function (SIFT, PolyPhen-2, Align-GVGD) all suggest that this variant is likely to be tolerated, but these predictions have not been confirmed by published functional studies and their clinical significance is uncertain. In summary, the available evidence is currently insufficient to determine the role of this variant in disease. Therefore, it has been classified as a Variant of Uncertain Significance. This sequence change replaces glutamine with glutamic acid at codon 507 of the STIM1 protein (p.Gln507Glu). The glutamine residue is moderately conserved and there is a small physicochemical difference between glutamine and glutamic acid.